The following is an entry in ClinVar:

NM_001127649.3(PEX26):c.489C>T (p.His163=)

Gene: PEX26 (peroxisomal biogenesis factor 26; plus strand). Cytogenetic location: 22q11.21.
Variant type: single nucleotide variant.
Coding change: c.489C>T on transcript NM_001127649.3 (MANE Select); coding-DNA position 489, C replaced by T.
Protein change: p.His163=; no amino-acid change (histidine 163 retained).
Molecular consequence: synonymous variant.
Genome position (GRCh38, 1-based): chr22:18,083,554, C>T. VCF-style: chr22-18083554-C-T. GRCh37 (hg19) VCF-style: chr22-18566320-C-T.
Other names: c.489C>T, p.His163= (NM_001199319.2, NM_017929.6); c.489C>T (NM_017929.5).
Identifiers: ClinVar variation 1112834 (VCV001112834.11), dbSNP rs549426563, ClinGen allele CA10093335.

ClinVar aggregate classification (germline): Likely benign. Review status: criteria provided, multiple submitters, no conflicts (2 of 4 stars). 3 submissions from 3 submitters: Likely benign (3). Last evaluated 2026-06-26.

Conditions:
PEX26-related disorder. Also called: PEX26-related condition.
Peroxisome biogenesis disorder 7A (Zellweger). Also called: Peroxisome biogenesis disorder 7A. Identifiers: Orphanet 912, MedGen C3888385, MONDO:0013938, OMIM 614872.
Peroxisome biogenesis disorder 7B (PBD7B). Identifiers: Orphanet 44, MedGen C3553951, MONDO:0013939, OMIM 614873.

Allele frequency attached by ClinVar (database versions not stated): gnomAD 0.00001; TOPMed 0.00001; gnomAD exomes 0.00002 and 0.00004; ExAC 0.00004.
gnomAD v4.1: 34 of 1,613,960 alleles (0.0021%); highest among the groups gnomAD compares: East Asian, 0.0045%; no homozygotes.

Submissions (3):

PreventionGenetics, part of Exact Sciences
Classification: Likely benign for PEX26-related condition. Last evaluated: 2026-06-26. Review status: criteria provided, single submitter. Criteria: ACMG Guidelines, 2015. Collection method: clinical testing. Allele origin: germline.
Comment: This variant is classified as likely benign based on ACMG/AMP sequence variant interpretation guidelines (Richards et al. 2015 PMID: 25741868, with internal and published modifications).

Labcorp Genetics (formerly Invitae), Labcorp
Classification: Likely benign for Peroxisome biogenesis disorder 7A (Zellweger); Peroxisome biogenesis disorder 7B. Last evaluated: 2025-12-30. Review status: criteria provided, single submitter. Criteria: Invitae Variant Classification Sherloc (09022015). Collection method: clinical testing. Allele origin: germline.

Blueprint Genetics
Classification: Likely benign. Last evaluated: 2023-05-23. Review status: criteria provided, single submitter. Criteria: ACMG Guidelines, 2015. Collection method: clinical testing. Allele origin: germline.